The following is an entry in ClinVar:

ClinVar aggregate classification (germline): Likely pathogenic (1 of 4 stars; one submission).

Conditions:
Glaucoma 3, primary congenital, E (GLC3E). Identifiers: MedGen C4310639, MONDO:0014998, OMIM 617272.

Submission:

Variantyx, Inc.
Classification: Likely pathogenic for Glaucoma 3, primary congenital, E. Last evaluated: 2025-08-03. Review status: criteria provided, single submitter. Criteria: Variantyx Assertion Criteria 2022. Collection method: clinical testing. Allele origin: germline. Inheritance: Autosomal recessive inheritance. Affected: yes.
Comment: This is a frameshift variant in the TEK gene (OMIM: 600221). Pathogenic variants in this gene have been associated with autosomal dominant TEK-related primary glaucoma. This variant introduces a premature termination codon in exon 10 out of 23 and is expected to result in loss of function, which is a known disease mechanism for TEK in this disorder (PMID: 27270174) (PVS1). This variant is absent from control populations (PM2). Based on the current evidence, this variant is classified as likely pathogenic for autosomal dominant TEK-related primary glaucoma.

Literature cited by the submitters: PubMed 27270174.

NM_000459.5(TEK):c.1284del (p.Val429fs)

Gene: TEK (TEK receptor tyrosine kinase; plus strand). Cytogenetic location: 9p21.2.
Variant type: Deletion.
Coding change: c.1284del on transcript NM_000459.5 (MANE Select); coding-DNA position 1284, one base deleted (A; older notation c.1284delA).
Protein change: p.Val429fs; shifts the reading frame from valine 429.
Molecular consequence: frameshift variant.
Genome position (GRCh38, 1-based): chr9:27,185,586, A deleted. VCF-style (leftmost placement, unchanged base first): chr9-27185585-CA-C. GRCh37 (hg19) VCF-style: chr9-27185583-CA-C.
Other names: c.1155del, p.Val386fs (NM_001290077.2, NM_001375476.1); c.843del, p.Val282fs (NM_001290078.2); c.1284del, p.Val429fs (NM_001375475.1); short protein forms V282fs, V386fs, V429fs.
Identifiers: ClinVar variation 4813690 (VCV004813690.1).